The following is an entry in ClinVar:

ClinVar aggregate classification (germline): Uncertain significance. Review status: criteria provided, multiple submitters, no conflicts (2 of 4 stars). 3 submissions from 3 submitters: Uncertain significance (2). 1 of the submissions does not count toward it. Last evaluated 2026-01-28.

Conditions:
Long QT syndrome (LQTS). Identifiers: MedGen C0023976, MeSH D008133, MONDO:0002442. Disease mechanism: loss of function. Inheritance: Various modes of inheritance.
Cardiovascular phenotype. Identifiers: MedGen CN230736.

Allele frequency attached by ClinVar (database versions not stated): gnomAD exomes below 0.00001 and 0.00001; ExAC 0.00001; gnomAD 0.00003 and 0.00004; TOPMed 0.00003.

Submissions (3):

Labcorp Genetics (formerly Invitae), Labcorp
Classification: Uncertain significance for Long QT syndrome. Last evaluated: 2026-01-28. Review status: criteria provided, single submitter. Criteria: Invitae Variant Classification Sherloc (09022015). Collection method: clinical testing. Allele origin: germline.
Comment: This sequence change replaces valine, which is neutral and non-polar, with isoleucine, which is neutral and non-polar, at codon 859 of the AKAP9 protein (p.Val859Ile). This variant is present in population databases (rs751606673, gnomAD 0.01%). This variant has not been reported in the literature in individuals affected with AKAP9-related conditions. ClinVar contains an entry for this variant (Variation ID: 1049402). An algorithm developed to predict the effect of missense changes on protein structure and function (PolyPhen-2) suggests that this variant is likely to be disruptive. In summary, the available evidence is currently insufficient to determine the role of this variant in disease. Therefore, it has been classified as a Variant of Uncertain Significance.

Ambry Genetics
Classification: Uncertain significance for Cardiovascular phenotype. Last evaluated: 2021-07-18. Review status: criteria provided, single submitter. Criteria: Ambry Variant Classification Scheme 2023. Collection method: clinical testing. Allele origin: germline.
Comment: The p.V859I variant (also known as c.2575G>A), located in coding exon 8 of the AKAP9 gene, results from a G to A substitution at nucleotide position 2575. The valine at codon 859 is replaced by isoleucine, an amino acid with highly similar properties. This amino acid position is conserved. In addition, this alteration is predicted to be tolerated by in silico analysis. Since supporting evidence is limited at this time, the clinical significance of this alteration remains unclear.

Department of Pathology and Laboratory Medicine, Sinai Health System
Classification: Uncertain significance. Review status: no assertion criteria provided. Collection method: clinical testing. Allele origin: unknown. Affected: yes. Study: The Canadian Open Genetics Repository (COGR). Not counted in ClinVar's aggregate classification.
Comment: The AKAP9 p.Val859Ile variant was not identified in the literature nor was it identified in ClinVar, Cosmic or LOVD 3.0. The variant was identified in dbSNP (ID: rs751606673) and was found in control databases in 3 of 277684 chromosomes at a frequency of 0.000011 (Genome Aggregation Database Feb 27, 2017). The variant was observed in the African population in 3 of 24520 chromosomes (freq: 0.000122), while the variant was not observed in the Latino, Ashkenazi Jewish, East Asian, European (Finnish), European (non-Finnish), Other or South Asian populations. The variant occurs outside of the splicing consensus sequence and in silico or computational prediction software programs (SpliceSiteFinder, MaxEntScan, NNSPLICE, GeneSplicer) do not predict a difference in splicing. The p.Val859 residue is conserved in mammals and computational analyses (PolyPhen-2, SIFT, AlignGVGD, BLOSUM, MutationTaster) provide inconsistent predictions regarding the impact to the protein; this information is not very predictive of pathogenicity. In summary, based on the above information the clinical significance of this variant cannot be determined with certainty at this time. This variant is classified as a variant of uncertain significance.

NM_005751.5(AKAP9):c.2575G>A (p.Val859Ile)

Gene: AKAP9 (A-kinase anchoring protein 9; plus strand). Cytogenetic location: 7q21.2.
Variant type: single nucleotide variant.
Coding change: c.2575G>A on transcript NM_005751.5 (MANE Select); coding-DNA position 2575, G replaced by A.
Protein change: p.Val859Ile; replaces valine 859 with isoleucine.
Molecular consequence: missense variant.
Genome position (GRCh38, 1-based): chr7:92,002,492, G>A. VCF-style: chr7-92002492-G-A. GRCh37 (hg19) VCF-style: chr7-91631806-G-A.
Other names: c.2575G>A, p.Val859Ile (NM_147185.3); short protein forms V859I.
Identifiers: ClinVar variation 1049402 (VCV001049402.8), dbSNP rs751606673, ClinGen allele CA4336159.